The following is an entry in ClinVar:

ClinVar aggregate classification (germline): Conflicting classifications of pathogenicity. Review status: criteria provided, conflicting classifications (1 of 4 stars). 8 submissions from 8 submitters: Uncertain significance (1); Benign (1); Likely benign (4). 2 of the submissions do not count toward it. Last evaluated 2026-04-01.

Allele frequency attached by ClinVar (database versions not stated): gnomAD exomes 0.00116; ExAC 0.00121; ESP Exome Variant Server 0.00123; TOPMed 0.00123; gnomAD 0.00139 and 0.00141.
gnomAD v4.1: 3,287 of 1,608,766 alleles (0.2%); highest among the groups gnomAD compares: Non-Finnish European, 0.26%; 9 homozygotes.

Submissions (8):

CeGaT Center for Human Genetics Tuebingen
Classification: Likely benign. Last evaluated: 2026-04-01. Review status: criteria provided, single submitter. Criteria: CeGaT Center For Human Genetics Tuebingen Variant Classification Criteria Version 2. Collection method: clinical testing. Allele origin: germline. Affected: yes. Observed: 5 variant alleles.
Comment: RXYLT1: BP4, BP7

Labcorp Genetics (formerly Invitae), Labcorp
Classification: Benign. Last evaluated: 2026-01-20. Review status: criteria provided, single submitter. Criteria: Invitae Variant Classification Sherloc (09022015). Collection method: clinical testing. Allele origin: germline.

Blueprint Genetics
Classification: Likely benign. Last evaluated: 2024-10-09. Review status: criteria provided, single submitter. Criteria: ACMG Guidelines, 2015. Collection method: clinical testing. Allele origin: germline.

GeneDx
Classification: Likely benign. Last evaluated: 2017-12-13. Review status: criteria provided, single submitter. Criteria: GeneDx Variant Classification (06012015). Collection method: clinical testing. Allele origin: germline. Affected: yes.
Comment: This variant is considered likely benign or benign based on one or more of the following criteria: it is a conservative change, it occurs at a poorly conserved position in the protein, it is predicted to be benign by multiple in silico algorithms, and/or has population frequency not consistent with disease.

Eurofins Ntd Llc (ga)
Classification: Uncertain significance. Last evaluated: 2015-06-01. Review status: criteria provided, single submitter. Criteria: EGL Classification Definitions 2015. Collection method: clinical testing. Allele origin: germline. Observed: 1 variant allele, 1 heterozygote.

PreventionGenetics, part of Exact Sciences
Classification: Likely benign. Review status: criteria provided, single submitter. Criteria: ACMG Guidelines, 2015. Collection method: clinical testing. Allele origin: germline.

Clinical Genetics DNA and cytogenetics Diagnostics Lab, Erasmus MC, Erasmus Medical Center
Classification: Likely benign. Review status: no assertion criteria provided. Collection method: clinical testing. Allele origin: germline. Affected: yes. Study: VKGL Data-share Consensus. Not counted in ClinVar's aggregate classification.

Genome Diagnostics Laboratory, University Medical Center Utrecht
Classification: Likely benign. Review status: no assertion criteria provided. Collection method: clinical testing. Allele origin: germline. Affected: yes. Study: VKGL Data-share Consensus. Not counted in ClinVar's aggregate classification.

NM_014254.3(RXYLT1):c.252C>T (p.Ser84=)

Gene: RXYLT1 (ribitol xylosyltransferase 1; plus strand). Cytogenetic location: 12q14.2.
Variant type: single nucleotide variant.
Coding change: c.252C>T on transcript NM_014254.3 (MANE Select); coding-DNA position 252, C replaced by T.
Protein change: p.Ser84=; no amino-acid change (serine 84 retained).
Molecular consequence: synonymous variant. On other transcripts: 5 prime UTR variant (1).
Genome position (GRCh38, 1-based): chr12:63,781,101, C>T. VCF-style: chr12-63781101-C-T. GRCh37 (hg19) VCF-style: chr12-64174881-C-T.
Other names: c.-529C>T (NM_001278237.2).
Identifiers: ClinVar variation 195295 (VCV000195295.54), dbSNP rs141095352, ClinGen allele CA241660.